The following is an entry in ClinVar:

ClinVar aggregate classification (germline): Likely benign. Review status: criteria provided, multiple submitters, no conflicts (2 of 4 stars). 2 submissions from 2 submitters: Likely benign (2). Last evaluated 2022-10-07.

Conditions:
Autosomal recessive limb-girdle muscular dystrophy type 2Q (LGMDR17). Also called: MUSCULAR DYSTROPHY, LIMB-GIRDLE, AUTOSOMAL RECESSIVE 17. Identifiers: Orphanet 254361, MedGen C3150989, MONDO:0013390, OMIM 613723.
Epidermolysis bullosa simplex 5C, with pyloric atresia (EBS5C). Also called: Epidermolysis bullosa simplex with pyloric atresia; PLEC-Related Epidermolysis Bullosa with Pyloric Atresia; PLEC1-Related Epidermolysis Bullosa with Pyloric Atresia. Identifiers: Orphanet 158684, MedGen C2677349, MONDO:0012807, OMIM 612138.
Epidermolysis bullosa simplex 5B, with muscular dystrophy (EBS5B). Also called: EPIDERMOLYSIS BULLOSA SIMPLEX AND LIMB-GIRDLE MUSCULAR DYSTROPHY; Epidermolysis bullosa simplex with muscular dystrophy. Identifiers: Orphanet 257, MedGen C2931072, MONDO:0009181, OMIM 226670.
Epidermolysis bullosa simplex with nail dystrophy (EBS5D). Identifiers: MedGen C4225309, MONDO:0014661, OMIM 616487.
Epidermolysis bullosa simplex, Ogna type (EBS5A). Also called: Pidermolysis bullosa simplex 5A, Ogna type; EPIDERMOLYSIS BULLOSA SIMPLEX 5A, OGNA TYPE. Identifiers: Orphanet 79401, MedGen C0432317, MONDO:0007555, OMIM 131950.

Allele frequency attached by ClinVar (database versions not stated): ExAC 0.00001; gnomAD exomes 0.00001.
gnomAD v4.1: 3 of 1,613,570 alleles (0.00019%); highest among the groups gnomAD compares: East Asian, 0.0022%; no homozygotes.

Submissions (2):

Labcorp Genetics (formerly Invitae), Labcorp
Classification: Likely benign for Autosomal recessive limb-girdle muscular dystrophy type 2Q; Epidermolysis bullosa simplex, Ogna type; Epidermolysis bullosa simplex with nail dystrophy; Epidermolysis bullosa simplex 5C, with pyloric atresia; Epidermolysis bullosa simplex 5B, with muscular dystrophy. Last evaluated: 2022-10-07. Review status: criteria provided, single submitter. Criteria: Invitae Variant Classification Sherloc (09022015). Collection method: clinical testing. Allele origin: germline.

GeneDx
Classification: Likely benign. Last evaluated: 2017-12-26. Review status: criteria provided, single submitter. Criteria: GeneDx Variant Classification (06012015). Collection method: clinical testing. Allele origin: germline. Affected: yes.
Comment: This variant is considered likely benign or benign based on one or more of the following criteria: it is a conservative change, it occurs at a poorly conserved position in the protein, it is predicted to be benign by multiple in silico algorithms, and/or has population frequency not consistent with disease.

NM_201384.3(PLEC):c.12075C>T (p.Leu4025=)

Gene: PLEC (plectin; minus strand). Cytogenetic location: 8q24.3.
Variant type: single nucleotide variant.
Coding change: c.12075C>T on transcript NM_201384.3 (MANE Select); coding-DNA position 12075, C replaced by T.
Protein change: p.Leu4025=; no amino-acid change (leucine 4025 retained).
Molecular consequence: synonymous variant.
Genome position (GRCh38, 1-based): chr8:143,917,746, G>A on the plus strand (C>T on the coding strand, the complement: PLEC is on the minus strand). VCF-style: chr8-143917746-G-A. GRCh37 (hg19) VCF-style: chr8-144991914-G-A.
Other names: c.12156C>T, p.Leu4052= (NM_000445.5); c.12033C>T, p.Leu4011= (NM_201378.4); c.12009C>T, p.Leu4003= (NM_201379.3); c.12486C>T, p.Leu4162= (NM_201380.4); c.11979C>T, p.Leu3993= (NM_201381.3); c.12075C>T, p.Leu4025= (NM_201382.4); c.12087C>T, p.Leu4029= (NM_201383.3).
Identifiers: ClinVar variation 514224 (VCV000514224.6), dbSNP rs782130507, ClinGen allele CA4924182.